The following is an entry in ClinVar:

NM_001370466.1(NOD2):c.2353C>T (p.Pro785Ser)

Gene: NOD2 (nucleotide binding oligomerization domain containing 2; plus strand). Cytogenetic location: 16q12.1.
Variant type: single nucleotide variant.
Coding change: c.2353C>T on transcript NM_001370466.1 (MANE Select); coding-DNA position 2353, C replaced by T.
Protein change: p.Pro785Ser; replaces proline 785 with serine.
Molecular consequence: missense variant. On other transcripts: non-coding transcript variant (1).
Genome position (GRCh38, 1-based): chr16:50,712,345, C>T. VCF-style: chr16-50712345-C-T. GRCh37 (hg19) VCF-style: chr16-50746256-C-T.
Other names: c.2353C>T, p.Pro785Ser (NM_001293557.2); c.2434C>T, p.Pro812Ser (NM_022162.3); short protein forms P785S, P812S.
Identifiers: ClinVar variation 654220 (VCV000654220.12), dbSNP rs746692864, ClinGen allele CA281264561.

ClinVar aggregate classification (germline): Uncertain significance. Review status: criteria provided, multiple submitters, no conflicts (2 of 4 stars). 2 submissions from 2 submitters: Uncertain significance (2). Last evaluated 2024-06-12.

Conditions:
Blau syndrome (BLAUS). Also called: GRANULOMATOSIS, FAMILIAL JUVENILE SYSTEMIC; GRANULOMATOSIS, FAMILIAL, BLAU TYPE; GRANULOMATOUS INFLAMMATORY ARTHRITIS, DERMATITIS, AND UVEITIS, FAMILIAL; JABS SYNDROME; ARTHROCUTANEOUVEAL GRANULOMATOSIS. Identifiers: Orphanet 90340, MedGen C5201146, MONDO:0008523, OMIM 186580.
Regional enteritis. Also called: Enteritis, Granulomatous. Identifiers: MedGen C0678202, MeSH D003424.

Allele frequency attached by ClinVar (database versions not stated): gnomAD exomes below 0.00001; gnomAD 0.00001; TOPMed 0.00001.
gnomAD v4.1: 4 of 1,613,812 alleles (0.00025%); highest among the groups gnomAD compares: Non-Finnish European, 0.00034%; no homozygotes.

Submissions (2):

Labcorp Genetics (formerly Invitae), Labcorp
Classification: Uncertain significance for Regional enteritis; Blau syndrome. Last evaluated: 2024-06-12. Review status: criteria provided, single submitter. Criteria: Invitae Variant Classification Sherloc (09022015). Collection method: clinical testing. Allele origin: germline.
Comment: This sequence change replaces proline, which is neutral and non-polar, with serine, which is neutral and polar, at codon 812 of the NOD2 protein (p.Pro812Ser). This variant is present in population databases (rs746692864, gnomAD 0.0009%). This variant has not been reported in the literature in individuals affected with NOD2-related conditions. ClinVar contains an entry for this variant (Variation ID: 654220). Advanced modeling of protein sequence and biophysical properties (such as structural, functional, and spatial information, amino acid conservation, physicochemical variation, residue mobility, and thermodynamic stability) has been performed at Invitae for this missense variant, however the output from this modeling did not meet the statistical confidence thresholds required to predict the impact of this variant on NOD2 protein function. In summary, the available evidence is currently insufficient to determine the role of this variant in disease. Therefore, it has been classified as a Variant of Uncertain Significance.

Institute for Clinical Genetics, University Hospital TU Dresden, University Hospital TU Dresden
Classification: Uncertain significance. Last evaluated: 2021-11-03. Review status: criteria provided, single submitter. Criteria: ACMG Guidelines, 2015. Collection method: clinical testing. Allele origin: germline.